The following is an entry in ClinVar:

ClinVar aggregate classification (germline): Uncertain significance (1 of 4 stars; one submission).

gnomAD v4.1: 7 of 1,613,976 alleles (0.00043%); highest among the groups gnomAD compares: Non-Finnish European, 0.00059%; no homozygotes.

Submission:

Labcorp Genetics (formerly Invitae), Labcorp
Classification: Uncertain significance. Last evaluated: 2024-12-10. Review status: criteria provided, single submitter. Criteria: Invitae Variant Classification Sherloc (09022015). Collection method: clinical testing. Allele origin: germline.
Comment: This sequence change replaces valine, which is neutral and non-polar, with phenylalanine, which is neutral and non-polar, at codon 421 of the FTO protein (p.Val421Phe). This variant is present in population databases (no rsID available, gnomAD 0.002%). This variant has not been reported in the literature in individuals affected with FTO-related conditions. Invitae Evidence Modeling of protein sequence and biophysical properties (such as structural, functional, and spatial information, amino acid conservation, physicochemical variation, residue mobility, and thermodynamic stability) indicates that this missense variant is not expected to disrupt FTO protein function with a negative predictive value of 80%. In summary, the available evidence is currently insufficient to determine the role of this variant in disease. Therefore, it has been classified as a Variant of Uncertain Significance.

NM_001080432.3(FTO):c.1261G>T (p.Val421Phe)

Gene: FTO (FTO alpha-ketoglutarate dependent dioxygenase; plus strand). Cytogenetic location: 16q12.2.
Variant type: single nucleotide variant.
Coding change: c.1261G>T on transcript NM_001080432.3 (MANE Select); coding-DNA position 1261, G replaced by T.
Protein change: p.Val421Phe; replaces valine 421 with phenylalanine.
Molecular consequence: missense variant. On other transcripts: intron variant (2), non-coding transcript variant (1).
Genome position (GRCh38, 1-based): chr16:53,934,006, G>T. VCF-style: chr16-53934006-G-T. GRCh37 (hg19) VCF-style: chr16-53967918-G-T.
Other names: c.1291G>T, p.Val431Phe (NM_001363891.2); c.1324G>T, p.Val442Phe (NM_001363894.2); c.1183G>T, p.Val395Phe (NM_001363897.2); c.1147G>T, p.Val383Phe (NM_001363898.2, NM_001363899.2); c.1239+45055G>T (NM_001363903.2); c.1117G>T, p.Val373Phe (NM_001363900.2, NM_001363901.2); c.748G>T, p.Val250Phe (NM_001363905.2); c.1261G>T, p.Val421Phe (NM_001363988.2, NM_001438128.1, NM_001438129.1 and 1 more transcripts); and 1 more; short protein forms V442F, V250F, V373F, V421F, V383F, V431F, V395F.
Identifiers: ClinVar variation 3665797 (VCV003665797.2).